The following is an entry in ClinVar:

NM_004268.5(MED17):c.250G>C (p.Gly84Arg)

Genes: MED17 (mediator complex subunit 17; plus strand), LOC130006596 (ATAC-STARR-seq lymphoblastoid silent region 3840; plus strand). Cytogenetic location: 11q21.
Variant type: single nucleotide variant.
Coding change: c.250G>C on transcript NM_004268.5 (MANE Select); coding-DNA position 250, G replaced by C.
Protein change: p.Gly84Arg; replaces glycine 84 with arginine.
Molecular consequence: missense variant.
Genome position (GRCh38, 1-based): chr11:93,784,763, G>C. VCF-style: chr11-93784763-G-C. GRCh37 (hg19) VCF-style: chr11-93517929-G-C.
Other names: short protein forms G84R.
Identifiers: ClinVar variation 1374376 (VCV001374376.6), dbSNP rs2135707279, ClinGen allele CA382388351.

ClinVar aggregate classification (germline): Uncertain significance (1 of 4 stars; one submission).

Submission:

Labcorp Genetics (formerly Invitae), Labcorp
Classification: Uncertain significance. Last evaluated: 2023-02-06. Review status: criteria provided, single submitter. Criteria: Invitae Variant Classification Sherloc (09022015). Collection method: clinical testing. Allele origin: germline.
Comment: This variant has not been reported in the literature in individuals affected with MED17-related conditions. ClinVar contains an entry for this variant (Variation ID: 1374376). Algorithms developed to predict the effect of missense changes on protein structure and function are either unavailable or do not agree on the potential impact of this missense change (SIFT: "Deleterious"; PolyPhen-2: "Benign"; Align-GVGD: "Class C0"). Variants that disrupt the consensus splice site are a relatively common cause of aberrant splicing (PMID: 17576681, 9536098). Algorithms developed to predict the effect of sequence changes on RNA splicing suggest that this variant may disrupt the consensus splice site. In summary, the available evidence is currently insufficient to determine the role of this variant in disease. Therefore, it has been classified as a Variant of Uncertain Significance. This variant is not present in population databases (gnomAD no frequency). This sequence change replaces glycine, which is neutral and non-polar, with arginine, which is basic and polar, at codon 84 of the MED17 protein (p.Gly84Arg). This variant also falls at the last nucleotide of exon 1, which is part of the consensus splice site for this exon.

Literature cited by the submitters: PubMed 17576681; PubMed 9536098.